The following is an entry in ClinVar:

NM_032802.4(SPPL2A):c.1024A>G (p.Ile342Val)

Gene: SPPL2A (signal peptide peptidase like 2A; minus strand). Cytogenetic location: 15q21.2.
Variant type: single nucleotide variant.
Coding change: c.1024A>G on transcript NM_032802.4 (MANE Select); coding-DNA position 1024, A replaced by G.
Protein change: p.Ile342Val; replaces isoleucine 342 with valine.
Molecular consequence: missense variant.
Genome position (GRCh38, 1-based): chr15:50,731,030, T>C on the plus strand (A>G on the coding strand, the complement: SPPL2A is on the minus strand). VCF-style: chr15-50731030-T-C. GRCh37 (hg19) VCF-style: chr15-51023227-T-C.
Other names: c.1024A>G (NM_032802.3); short protein forms I342V.
Identifiers: ClinVar variation 1439706 (VCV001439706.9), dbSNP rs760927737, ClinGen allele CA7558341.

ClinVar aggregate classification (germline): Uncertain significance. Review status: criteria provided, multiple submitters, no conflicts (2 of 4 stars). 2 submissions from 2 submitters: Uncertain significance (2). Last evaluated 2025-12-11.

Allele frequency attached by ClinVar (database versions not stated): gnomAD exomes 0.00001 and 0.00005; gnomAD 0.00002; TOPMed 0.00002; ExAC 0.00006.
gnomAD v4.1: 16 of 1,464,266 alleles (0.0011%); highest among the groups gnomAD compares: Admixed American, 0.027%; no homozygotes.

Submissions (2):

Labcorp Genetics (formerly Invitae), Labcorp
Classification: Uncertain significance. Last evaluated: 2025-12-11. Review status: criteria provided, single submitter. Criteria: Invitae Variant Classification Sherloc (09022015). Collection method: clinical testing. Allele origin: germline.
Comment: This sequence change replaces isoleucine, which is neutral and non-polar, with valine, which is neutral and non-polar, at codon 342 of the SPPL2A protein (p.Ile342Val). This variant is present in population databases (rs760927737, gnomAD 0.04%). This variant has not been reported in the literature in individuals affected with SPPL2A-related conditions. ClinVar contains an entry for this variant (Variation ID: 1439706). An algorithm developed to predict the effect of missense changes on protein structure and function (PolyPhen-2) suggests that this variant is likely to be tolerated. In summary, the available evidence is currently insufficient to determine the role of this variant in disease. Therefore, it has been classified as a Variant of Uncertain Significance.

Ambry Genetics
Classification: Uncertain significance. Last evaluated: 2024-08-12. Review status: criteria provided, single submitter. Criteria: Ambry Variant Classification Scheme 2023. Collection method: clinical testing. Allele origin: germline.